The following is an entry in ClinVar:

NM_000051.4(ATM):c.6347+6A>C

Genes: ATM (ATM serine/threonine kinase; plus strand), C11orf65 (chromosome 11 open reading frame 65; minus strand). Cytogenetic location: 11q22.3.
Variant type: single nucleotide variant.
Coding change: c.6347+6A>C on transcript NM_000051.4 (MANE Select); 6 bases into the intron after coding-DNA position 6347, A replaced by C.
Molecular consequence: intron variant.
Genome position (GRCh38, 1-based): chr11:108,317,527, A>C. VCF-style: chr11-108317527-A-C. GRCh37 (hg19) VCF-style: chr11-108188254-A-C.
Other names: c.6347+6A>C (NM_001351834.2); c.641-8456T>G (NM_001330368.2); c.*39-8456T>G (NM_001351110.2).
Identifiers: ClinVar variation 490648 (VCV000490648.13), dbSNP rs750501197, ClinGen allele CA6265909.

ClinVar aggregate classification (germline): Conflicting classifications of pathogenicity. Review status: criteria provided, conflicting classifications (1 of 4 stars). 5 submissions from 5 submitters: Uncertain significance (3); Likely benign (2). Last evaluated 2025-08-17.

Conditions:
Hereditary cancer-predisposing syndrome. Also called: Neoplastic Syndromes, Hereditary; Hereditary Cancer Syndrome; Tumor predisposition; Hereditary neoplastic syndrome. Identifiers: Orphanet 140162, MedGen C0027672, MeSH D009386, MONDO:0015356.
Familial cancer of breast. Also called: Hereditary breast cancer; BREAST CANCER, FAMILIAL; hereditary breast carcinoma. Identifiers: Orphanet 227535, MedGen C0346153, MONDO:0016419, OMIM 114480. Disease mechanism: loss of function.
Ataxia-telangiectasia syndrome (AT). Also called: LOUIS-BAR SYNDROME; Cerebello-oculocutaneous telangiectasia; Immunodeficiency with ataxia telangiectasia; Ataxia-telangiectasia, complementation group D; AT, COMPLEMENTATION GROUP C; Ataxia-telangiectasia, complementation group E. Identifiers: Orphanet 100, MedGen C0004135, MONDO:0008840, OMIM 208900.

Allele frequency attached by ClinVar (database versions not stated): gnomAD exomes below 0.00001 and 0.00001; gnomAD 0.00003 and 0.00002; ExAC 0.00001; TOPMed 0.00001.
gnomAD v4.1: 17 of 1,599,686 alleles (0.0011%); highest among the groups gnomAD compares: Admixed American, 0.0017%; no homozygotes.

Submissions (5):

Labcorp Genetics (formerly Invitae), Labcorp
Classification: Uncertain significance for Ataxia-telangiectasia syndrome. Last evaluated: 2025-08-17. Review status: criteria provided, single submitter. Criteria: Invitae Variant Classification Sherloc (09022015). Collection method: clinical testing. Allele origin: germline.
Comment: This sequence change falls in intron 43 of the ATM gene. It does not directly change the encoded amino acid sequence of the ATM protein. It affects a nucleotide within the consensus splice site. This variant is present in population databases (rs750501197, gnomAD 0.002%). This variant has not been reported in the literature in individuals affected with ATM-related conditions. ClinVar contains an entry for this variant (Variation ID: 490648). Variants that disrupt the consensus splice site are a relatively common cause of aberrant splicing (PMID: 17576681, 9536098). Algorithms developed to predict the effect of sequence changes on RNA splicing suggest that this variant is not likely to affect RNA splicing. In summary, the available evidence is currently insufficient to determine the role of this variant in disease. Therefore, it has been classified as a Variant of Uncertain Significance.

Molecular Pathology, Peter Maccallum Cancer Centre
Classification: Uncertain significance for Ataxia-telangiectasia syndrome. Last evaluated: 2025-01-20. Review status: criteria provided, single submitter. Criteria: ACMG Guidelines, 2015. Collection method: clinical testing. Allele origin: germline. Inheritance: Autosomal recessive inheritance.

Department of Pathology and Laboratory Medicine, Sinai Health System
Classification: Uncertain significance for Familial cancer of breast. Last evaluated: 2024-06-24. Review status: criteria provided, single submitter. Criteria: ACMG Guidelines, 2015. Collection method: clinical testing. Allele origin: germline. Affected: yes.

GeneDx
Classification: Likely benign. Last evaluated: 2019-05-14. Review status: criteria provided, single submitter. Criteria: GeneDx Variant Classification Process June 2021. Collection method: clinical testing. Allele origin: germline. Affected: yes.

Color Diagnostics, LLC DBA Color Health
Classification: Likely benign for Hereditary cancer-predisposing syndrome. Last evaluated: 2017-10-08. Review status: criteria provided, single submitter. Criteria: ACMG Guidelines, 2015. Collection method: clinical testing. Allele origin: germline.

Literature cited by the submitters: PubMed 17576681 (cited by Labcorp Genetics (formerly Invitae), Labcorp); PubMed 9536098 (cited by Labcorp Genetics (formerly Invitae), Labcorp).